The following is an entry in ClinVar:

ClinVar aggregate classification (germline): Uncertain significance. Review status: criteria provided, multiple submitters, no conflicts (2 of 4 stars). 2 submissions from 2 submitters: Uncertain significance (2). Last evaluated 2024-09-10.

Conditions:
Neurodevelopmental disorder with speech impairment and dysmorphic facies. Identifiers: MedGen C5436699, MONDO:0033630, OMIM 619056.

Submissions (2):

GeneDx
Classification: Uncertain significance. Last evaluated: 2024-09-10. Review status: criteria provided, single submitter. Criteria: GeneDx Variant Classification Process June 2021. Collection method: clinical testing. Allele origin: germline. Affected: yes.
Comment: Frameshift variant predicted to result in protein truncation or nonsense mediated decay in a gene for which loss of function is a known mechanism of disease; Has not been previously published as pathogenic or benign to our knowledge

Neuberg Centre For Genomic Medicine, NCGM
Classification: Uncertain significance for Neurodevelopmental disorder with speech impairment and dysmorphic facies. Last evaluated: 2023-06-22. Review status: criteria provided, single submitter. Criteria: ACMG Guidelines, 2015. Collection method: clinical testing. Allele origin: germline. Inheritance: Autosomal dominant inheritance. Affected: yes.
Comment: The observed frameshift c.4103_4104del(p.Glu1368GlyfsTer10) variant in SETD1A gene has not been reported previously as a pathogenic variant nor a benign variant, to our knowledge. The p.Glu1368GlyfsTer10 variant has been reported with allele frequency of 0.002% in gnomAD Exomes. This variant has not been submitted to the ClinVar database. This variant causes a frameshift starting with codon Glutamic Acid 1368, changes this amino acid to Glycine residue, and creates a premature Stop codon at position 10 of the new reading frame, denoted p.Glu1368GlyfsTer10. This variant is predicted to cause loss of normal protein function through protein truncation. Loss of function variants have been previously reported to be disease causing. However, because this variant is present in 2 heterozygotes in gnomAD Exomes, additional evidence will be required to prove its pathogenicity conclusively. For these reasons, this variant has been classified as a Variant of Uncertain Significance (VUS).

NM_014712.3(SETD1A):c.4103_4104del (p.Glu1368fs)

Gene: SETD1A (SET domain containing 1A, histone lysine methyltransferase; plus strand). Cytogenetic location: 16p11.2.
Variant type: Microsatellite.
Coding change: c.4103_4104del on transcript NM_014712.3 (MANE Select); coding-DNA positions 4103 to 4104, 2 bases deleted (AG; older notation c.4103_4104delAG).
Protein change: p.Glu1368fs; shifts the reading frame from glutamic acid 1368.
Molecular consequence: frameshift variant.
Genome position (GRCh38, 1-based): chr16:30,979,889-30,979,890, AG deleted; deleting any 2 consecutive bases within chr16:30,979,887-30,979,890 gives the same sequence; the c. name uses the placement nearest the transcript's 3' end. VCF-style (leftmost placement, unchanged base first): chr16-30979886-AAG-A. GRCh37 (hg19) VCF-style: chr16-30991207-AAG-A.
Other names: c.4103_4104del (NM_014712.1); short protein forms E1368fs.
Identifiers: ClinVar variation 3377741 (VCV003377741.2).